The following is an entry in ClinVar:

NM_000368.5(TSC1):c.180C>T (p.Ile60=)

Gene: TSC1 (TSC complex subunit 1; minus strand). Cytogenetic location: 9q34.13.
Variant type: single nucleotide variant.
Coding change: c.180C>T on transcript NM_000368.5 (MANE Select); coding-DNA position 180, C replaced by T.
Protein change: p.Ile60=; no amino-acid change (isoleucine 60 retained).
Molecular consequence: synonymous variant. On other transcripts: intron variant (1).
Genome position (GRCh38, 1-based): chr9:132,927,231, G>A on the plus strand (C>T on the coding strand, the complement: TSC1 is on the minus strand). VCF-style: chr9-132927231-G-A. GRCh37 (hg19) VCF-style: chr9-135802618-G-A.
Other names: c.180C>T (NM_000368.4); c.180C>T, p.Ile60= (NM_001162426.2, NM_001162427.2); c.-153-1492C>T (NM_001362177.2).
Identifiers: ClinVar variation 1133215 (VCV001133215.11), dbSNP rs1162060045, ClinGen allele CA467594265.

ClinVar aggregate classification (germline): Benign/Likely benign. Review status: criteria provided, multiple submitters, no conflicts (2 of 4 stars). 3 submissions from 3 submitters: Benign (1); Likely benign (2). Last evaluated 2025-08-05.

Conditions:
Tuberous sclerosis 1 (TSC1). Identifiers: Orphanet 805, MedGen C1854465, MONDO:0008612, OMIM 191100.
Hereditary cancer-predisposing syndrome. Also called: Neoplastic Syndromes, Hereditary; Hereditary neoplastic syndrome; Tumor predisposition; Hereditary Cancer Syndrome. Identifiers: Orphanet 140162, MedGen C0027672, MeSH D009386, MONDO:0015356.

Allele frequency attached by ClinVar (database versions not stated): gnomAD exomes below 0.00001; TOPMed below 0.00001.

Submissions (3):

Labcorp Genetics (formerly Invitae), Labcorp
Classification: Likely benign for Tuberous sclerosis 1. Last evaluated: 2025-08-05. Review status: criteria provided, single submitter. Criteria: Invitae Variant Classification Sherloc (09022015). Collection method: clinical testing. Allele origin: germline.

Myriad Genetics, Inc.
Classification: Benign for Tuberous sclerosis 1. Last evaluated: 2025-04-07. Review status: criteria provided, single submitter. Criteria: Myriad Autosomal Dominant, Autosomal Recessive and X-Linked Classification Criteria (2023). Collection method: clinical testing. Allele origin: unknown.
Comment: This variant is considered benign. This variant is a silent/synonymous amino acid change and it is not expected to impact splicing.

Ambry Genetics
Classification: Likely benign for Hereditary cancer-predisposing syndrome. Last evaluated: 2023-08-04. Review status: criteria provided, single submitter. Criteria: Ambry Variant Classification Scheme 2023. Collection method: clinical testing. Allele origin: germline.